The following is an entry in ClinVar:

NM_006206.6(PDGFRA):c.1271A>G (p.His424Arg)

Gene: PDGFRA (platelet derived growth factor receptor alpha; plus strand). Cytogenetic location: 4q12.
Variant type: single nucleotide variant.
Coding change: c.1271A>G on transcript NM_006206.6 (MANE Select); coding-DNA position 1271, A replaced by G.
Protein change: p.His424Arg; replaces histidine 424 with arginine.
Molecular consequence: missense variant.
Genome position (GRCh38, 1-based): chr4:54,272,427, A>G. VCF-style: chr4-54272427-A-G. GRCh37 (hg19) VCF-style: chr4-55138594-A-G.
Other names: c.1271A>G, p.His424Arg (NM_001347827.2, NM_001347829.2); c.1346A>G, p.His449Arg (NM_001347828.2); c.1310A>G, p.His437Arg (NM_001347830.2); short protein forms H424R, H437R, H449R.
Identifiers: ClinVar variation 4808674 (VCV004808674.1).

ClinVar aggregate classification (germline): Uncertain significance (1 of 4 stars; one submission).

Conditions:
Gastrointestinal stromal tumor. Also called: Gastrointestinal stroma tumor; Gastrointestinal stromal tumor, somatic. Identifiers: Orphanet 44890, MedGen C0238198, MeSH D046152, MONDO:0011719, OMIM 606764, HP:0100723.

gnomAD v4.1: 4 of 1,614,048 alleles (0.00025%); highest among the groups gnomAD compares: Non-Finnish European, 0.00034%; no homozygotes.

Submission:

Labcorp Genetics (formerly Invitae), Labcorp
Classification: Uncertain significance for Gastrointestinal stromal tumor. Last evaluated: 2025-10-13. Review status: criteria provided, single submitter. Criteria: Invitae Variant Classification Sherloc (09022015). Collection method: clinical testing. Allele origin: germline.
Comment: This sequence change replaces histidine, which is basic and polar, with arginine, which is basic and polar, at codon 424 of the PDGFRA protein (p.His424Arg). This variant is not present in population databases (gnomAD no frequency). This variant has not been reported in the literature in individuals affected with PDGFRA-related conditions. Invitae Evidence Modeling of protein sequence and biophysical properties (such as structural, functional, and spatial information, amino acid conservation, physicochemical variation, residue mobility, and thermodynamic stability) indicates that this missense variant is not expected to disrupt PDGFRA protein function with a negative predictive value of 80%. In summary, the available evidence is currently insufficient to determine the role of this variant in disease. Therefore, it has been classified as a Variant of Uncertain Significance.